The following is an entry in ClinVar:

ClinVar aggregate classification (germline): Uncertain significance (1 of 4 stars; one submission).

Allele frequency attached by ClinVar (database versions not stated): TOPMed below 0.00001; gnomAD 0.00001.

Submission:

GeneDx
Classification: Uncertain significance. Last evaluated: 2019-06-11. Review status: criteria provided, single submitter. Criteria: GeneDx Variant Classification Process June 2021. Collection method: clinical testing. Allele origin: germline. Affected: yes.
Comment: Not observed in large population cohorts (Lek et al., 2016); In silico analysis, which includes protein predictors and evolutionary conservation, supports a deleterious effect; Has not been previously published as pathogenic or benign to our knowledge

NM_003070.5(SMARCA2):c.2878G>A (p.Glu960Lys)

Gene: SMARCA2 (SWI/SNF related, matrix associated, actin dependent regulator of chromatin, subfamily a, member 2; plus strand). Cytogenetic location: 9p24.3.
Variant type: single nucleotide variant.
Coding change: c.2878G>A on transcript NM_003070.5 (MANE Select); coding-DNA position 2878, G replaced by A.
Protein change: p.Glu960Lys; replaces glutamic acid 960 with lysine.
Molecular consequence: missense variant.
Genome position (GRCh38, 1-based): chr9:2,088,608, G>A. VCF-style: chr9-2088608-G-A. GRCh37 (hg19) VCF-style: chr9-2088608-G-A.
Other names: c.2878G>A, p.Glu960Lys (NM_001289396.2, NM_139045.4); c.2704G>A, p.Glu902Lys (NM_001289397.2); short protein forms E902K, E960K.
Identifiers: ClinVar variation 1303289 (VCV001303289.2), dbSNP rs1294074487, ClinGen allele CA372785604.